The following is an entry in ClinVar:

NM_182588.3(RGPD4):c.3441A>G (p.Leu1147=)

Gene: RGPD4 (RANBP2 like and GRIP domain containing 4; plus strand). Cytogenetic location: 2q12.3.
Variant type: single nucleotide variant.
Coding change: c.3441A>G on transcript NM_182588.3 (MANE Select); coding-DNA position 3441, A replaced by G.
Protein change: p.Leu1147=; no amino-acid change (leucine 1147 retained).
Molecular consequence: synonymous variant.
Genome position (GRCh38, 1-based): chr2:107,871,445, A>G. VCF-style: chr2-107871445-A-G. GRCh37 (hg19) VCF-style: chr2-108487901-A-G.
Identifiers: ClinVar variation 403374 (VCV000403374.5), dbSNP rs832358, ClinGen allele CA1818369.

ClinVar aggregate classification (germline): Benign. Review status: criteria provided, multiple submitters, no conflicts (2 of 4 stars). 2 submissions from 2 submitters: Benign (2). Last evaluated 2016-03-29.

Allele frequency attached by ClinVar (database versions not stated): ExAC 0.00937; gnomAD exomes 0.21509; 1000 Genomes Project 0.54093.

Submissions (2):

Laboratory for Molecular Medicine, Mass General Brigham Personalized Medicine
Classification: Benign. Last evaluated: 2016-03-29. Review status: criteria provided, single submitter. Criteria: LMM Criteria. Collection method: clinical testing. Allele origin: germline.
Comment: Variant identified in a genome or exome case(s) and assessed due to predicted null impact of the variant or pathogenic assertions in the literature or databases. Disclaimer: This variant has not undergone full assessment. The following are preliminary notes: Frequency

Breakthrough Genomics
Classification: Benign. Review status: criteria provided, single submitter. Criteria: ACMG Guidelines, 2015. Collection method: not provided. Allele origin: germline. Inheritance: Unknown mechanism. Affected: yes.